The following is an entry in ClinVar:

ClinVar aggregate classification (germline): Uncertain significance (1 of 4 stars; one submission).

Conditions:
Hereditary spastic paraplegia 73. Also called: Spastic paraplegia 73, autosomal dominant. Identifiers: Orphanet 444099, MedGen C5568981, MONDO:0014568, OMIM 616282.

Allele frequency attached by ClinVar (database versions not stated): ExAC 0.00001; gnomAD exomes 0.00001; TOPMed 0.00002.
gnomAD v4.1: 10 of 1,613,978 alleles (0.00062%); highest among the groups gnomAD compares: Non-Finnish European, 0.00076%; no homozygotes.

Submission:

Labcorp Genetics (formerly Invitae), Labcorp
Classification: Uncertain significance for Hereditary spastic paraplegia 73. Last evaluated: 2021-01-15. Review status: criteria provided, single submitter. Criteria: Invitae Variant Classification Sherloc (09022015). Collection method: clinical testing. Allele origin: germline.
Comment: This sequence change replaces leucine with methionine at codon 482 of the CPT1C protein (p.Leu482Met). The leucine residue is moderately conserved and there is a small physicochemical difference between leucine and methionine. This variant is present in population databases (rs771223811, ExAC 0.002%). This variant has not been reported in the literature in individuals with CPT1C-related conditions. Algorithms developed to predict the effect of missense changes on protein structure and function are either unavailable or do not agree on the potential impact of this missense change (SIFT: "Deleterious"; PolyPhen-2: "Probably Damaging"; Align-GVGD: "Class C0"). In summary, the available evidence is currently insufficient to determine the role of this variant in disease. Therefore, it has been classified as a Variant of Uncertain Significance.

NM_001199753.2(CPT1C):c.1477C>A (p.Leu493Met)

Gene: CPT1C (carnitine palmitoyltransferase 1C; plus strand). Cytogenetic location: 19q13.33.
Variant type: single nucleotide variant.
Coding change: c.1477C>A on transcript NM_001199753.2 (MANE Select); coding-DNA position 1477, C replaced by A.
Protein change: p.Leu493Met; replaces leucine 493 with methionine.
Molecular consequence: missense variant. On other transcripts: non-coding transcript variant (1).
Genome position (GRCh38, 1-based): chr19:49,708,750, C>A. VCF-style: chr19-49708750-C-A. GRCh37 (hg19) VCF-style: chr19-50212007-C-A.
Other names: c.1444C>A, p.Leu482Met (NM_001136052.3, NM_001378485.1, NM_001378487.1); c.1477C>A, p.Leu493Met (NM_001199752.3, NM_001378483.1, NM_001378484.1 and 3 more transcripts); c.1543C>A, p.Leu515Met (NM_001378482.1); short protein forms L493M, L515M, L482M.
Identifiers: ClinVar variation 1347995 (VCV001347995.8), dbSNP rs771223811, ClinGen allele CA9582193.